The following is an entry in ClinVar:

NM_024884.3(L2HGDH):c.709C>T (p.Gln237Ter)

Gene: L2HGDH (L-2-hydroxyglutarate dehydrogenase; minus strand). Cytogenetic location: 14q21.3.
Variant type: single nucleotide variant.
Coding change: c.709C>T on transcript NM_024884.3 (MANE Select); coding-DNA position 709, C replaced by T.
Protein change: p.Gln237Ter; replaces glutamine 237 with a stop codon.
Molecular consequence: nonsense.
Genome position (GRCh38, 1-based): chr14:50,278,549, G>A on the plus strand (C>T on the coding strand, the complement: L2HGDH is on the minus strand). VCF-style: chr14-50278549-G-A. GRCh37 (hg19) VCF-style: chr14-50745267-G-A.
Other names: short protein forms Q237*.
Identifiers: ClinVar variation 931549 (VCV000931549.3), dbSNP rs1890096157, ClinGen allele CA389652541.
Genomic context (GRCh38, chr14:50,278,549, plus strand): 5'-GTAGCCAGCAGTTTTGCTTAAGAATCTTTACCTTTGTATTCTTTATAACAATTGGATATT[G>A]CATTCCTGAAAAAAAAGAATAAGTGAAAAATTTATTTTTAGCAAAAGGCCAACATTATTT-3'

ClinVar aggregate classification (germline): Pathogenic (1 of 4 stars; one submission).

Conditions:
L-2-hydroxyglutaric aciduria (L2HGA). Identifiers: Orphanet 79314, MedGen C1855995, MONDO:0009370, OMIM 236792, HP:0040144.

Submission:

Centre for Mendelian Genomics, University Medical Centre Ljubljana
Classification: Pathogenic for L-2-hydroxyglutaric aciduria. Last evaluated: 2019-06-12. Review status: criteria provided, single submitter. Criteria: ACMG Guidelines, 2015. Collection method: clinical testing. Allele origin: unknown. Affected: yes.
Comment: This variant was classified as: Pathogenic. The following ACMG criteria were applied in classifying this variant: PVS1,PM2,PP3.